The following is an entry in ClinVar:

NM_007327.4(GRIN1):c.1600A>C (p.Lys534Gln)

Gene: GRIN1 (glutamate ionotropic receptor NMDA type subunit 1; plus strand). Cytogenetic location: 9q34.3.
Variant type: single nucleotide variant.
Coding change: c.1600A>C on transcript NM_007327.4 (MANE Select); coding-DNA position 1600, A replaced by C.
Protein change: p.Lys534Gln; replaces lysine 534 with glutamine.
Molecular consequence: missense variant.
Genome position (GRCh38, 1-based): chr9:137,162,056, A>C. VCF-style: chr9-137162056-A-C. GRCh37 (hg19) VCF-style: chr9-140056508-A-C.
Other names: c.1600A>C, p.Lys534Gln (NM_000832.7, NM_021569.4); c.1663A>C, p.Lys555Gln (NM_001185090.2, NM_001185091.2); short protein forms K534Q, K555Q.
Identifiers: ClinVar variation 3901885 (VCV003901885.1).

ClinVar aggregate classification (germline): Likely pathogenic (1 of 4 stars; one submission).

Conditions:
Neurodevelopmental disorder with or without hyperkinetic movements and seizures, autosomal dominant. Also called: Intellectual disability, autosomal dominant 8. Identifiers: MedGen C3280282, MONDO:0013655, OMIM 614254.

Submission:

Rare Disease Center, Seoul National University Hospital
Classification: Likely pathogenic for Neurodevelopmental disorder with or without hyperkinetic movements and seizures, autosomal dominant. Last evaluated: 2025-03-23. Review status: criteria provided, single submitter. Criteria: ACMG Guidelines, 2015. Collection method: provider interpretation. Allele origin: de novo. Affected: yes. Observed: 1 variant allele.
Comment: In addition, this variant is not present in population databases (gnomAD). Note: This variant was found in clinical genetic testing performed by one or more labs who may also submit to ClinVar. Therefore, any internal case data may overlap with the internal case data of other submitters. The classification and rationale are that of the Rare Disease Center, Seoul National University Hospital